The following is an entry in ClinVar:

ClinVar aggregate classification (germline): Pathogenic (1 of 4 stars; one submission).

Conditions:
Myopathy, proximal, and ophthalmoplegia (CMYO6). Also called: MYOPATHY WITH CONGENITAL JOINT CONTRACTURES, OPHTHALMOPLEGIA, AND RIMMED VACUOLES; INCLUSION BODY MYOPATHY 3, AUTOSOMAL DOMINANT; CONGENITAL MYOPATHY 6 WITH OPHTHALMOPLEGIA. Identifiers: Orphanet 363677, Orphanet 79091, MedGen C1854106, MONDO:0011577, OMIM 605637.

Submission:

Labcorp Genetics (formerly Invitae), Labcorp
Classification: Pathogenic for Myopathy, proximal, and ophthalmoplegia. Last evaluated: 2024-04-08. Review status: criteria provided, single submitter. Criteria: Invitae Variant Classification Sherloc (09022015). Collection method: clinical testing. Allele origin: germline.
Comment: This sequence change creates a premature translational stop signal (p.His1009Thrfs*18) in the MYH2 gene. It is expected to result in an absent or disrupted protein product. Loss-of-function variants in MYH2 are known to be pathogenic (PMID: 20418530, 23388406, 24193343). This variant is not present in population databases (gnomAD no frequency). This variant has not been reported in the literature in individuals affected with MYH2-related conditions. For these reasons, this variant has been classified as Pathogenic.

Literature cited by the submitters: PubMed 20418530; PubMed 23388406; PubMed 24193343.

NM_017534.6(MYH2):c.3025del (p.His1009fs)

Genes: MYHAS (myosin heavy chain gene cluster antisense RNA; plus strand), MYH2 (myosin heavy chain 2; minus strand). Cytogenetic location: 17p13.1.
Variant type: Deletion.
Coding change: c.3025del on transcript NM_017534.6 (MANE Select); coding-DNA position 3025, one base deleted (C; older notation c.3025delC).
Protein change: p.His1009fs; shifts the reading frame from histidine 1009.
Molecular consequence: frameshift variant.
Genome position (GRCh38, 1-based): chr17:10,529,656, G deleted on the plus strand (C on the coding strand, the reverse complement: MYH2 is on the minus strand); the first of 3 consecutive G bases (chr17:10,529,656-10,529,658); deleting any one gives the same sequence. VCF-style (leftmost placement, unchanged base first): chr17-10529655-TG-T. GRCh37 (hg19) VCF-style: chr17-10432972-TG-T.
Other names: c.3025del, p.His1009fs (NM_001100112.2); short protein forms H1009fs.
Identifiers: ClinVar variation 3648222 (VCV003648222.2).
Genomic context (GRCh38, chr17:10,529,655, plus strand): 5'-GCTTTGGTCAGGGTGTTGACTTTGTCCTCCTCTGCCTGCAGGTCATCCAGGGTCTGCTGG[TG>T]GGCCTCCTGGAGAGCCTTCTTCTCCTTGGTCAGCTTAGCAATGGTTTCATCCAGACCTGC-3'